The following is an entry in ClinVar:

NM_000629.3(IFNAR1):c.1571A>C (p.His524Pro)

Gene: IFNAR1 (interferon alpha and beta receptor subunit 1; plus strand). Cytogenetic location: 21q22.11.
Variant type: single nucleotide variant.
Coding change: c.1571A>C on transcript NM_000629.3 (MANE Select); coding-DNA position 1571, A replaced by C.
Protein change: p.His524Pro; replaces histidine 524 with proline.
Molecular consequence: missense variant. On other transcripts: 3 prime UTR variant (1).
Genome position (GRCh38, 1-based): chr21:33,355,446, A>C. VCF-style: chr21-33355446-A-C. GRCh37 (hg19) VCF-style: chr21-34727752-A-C.
Other names: c.1571A>C, p.His524Pro (NM_001384498.1); c.*120A>C (NM_001384499.1); c.809A>C, p.His270Pro (NM_001384500.1); c.1541A>C, p.His514Pro (NM_001384501.1); c.1109A>C, p.His370Pro (NM_001384502.1); c.1556A>C, p.His519Pro (NM_001384503.1); c.1364A>C, p.His455Pro (NM_001384504.1); c.1571A>C (NM_000629.2); short protein forms H519P, H524P, H455P, H514P, H270P, H370P.
Identifiers: ClinVar variation 1400067 (VCV001400067.8), dbSNP rs1465456121, ClinGen allele CA410111089.

ClinVar aggregate classification (germline): Uncertain significance. Review status: criteria provided, multiple submitters, no conflicts (2 of 4 stars). 2 submissions from 2 submitters: Uncertain significance (2). Last evaluated 2025-05-19.

Allele frequency attached by ClinVar (database versions not stated): gnomAD exomes below 0.00001 and 0.00001; gnomAD 0.00001; TOPMed 0.00001.
gnomAD v4.1: 4 of 1,604,072 alleles (0.00025%); highest among the groups gnomAD compares: East Asian, 0.0089%; no homozygotes.

Submissions (2):

Ambry Genetics
Classification: Uncertain significance. Last evaluated: 2025-05-19. Review status: criteria provided, single submitter. Criteria: Ambry Variant Classification Scheme 2023. Collection method: clinical testing. Allele origin: germline.

Labcorp Genetics (formerly Invitae), Labcorp
Classification: Uncertain significance. Last evaluated: 2021-04-29. Review status: criteria provided, single submitter. Criteria: Invitae Variant Classification Sherloc (09022015). Collection method: clinical testing. Allele origin: germline.
Comment: In summary, the available evidence is currently insufficient to determine the role of this variant in disease. Therefore, it has been classified as a Variant of Uncertain Significance. Algorithms developed to predict the effect of missense changes on protein structure and function are either unavailable or do not agree on the potential impact of this missense change (SIFT: "Tolerated"; PolyPhen-2: "Possibly Damaging"; Align-GVGD: "Class C0"). This variant has not been reported in the literature in individuals with IFNAR1-related conditions. This variant is not present in population databases (ExAC no frequency). This sequence change replaces histidine with proline at codon 524 of the IFNAR1 protein (p.His524Pro). The histidine residue is weakly conserved and there is a moderate physicochemical difference between histidine and proline.